The following is an entry in ClinVar:

ClinVar aggregate classification (germline): Uncertain significance. Review status: criteria provided, multiple submitters, no conflicts (2 of 4 stars). 2 submissions from 2 submitters: Uncertain significance (2). Last evaluated 2025-09-28.

Conditions:
Congenital factor V deficiency. Also called: LABILE FACTOR DEFICIENCY; OWREN PARAHEMOPHILIA; PARAHEMOPHILIA; Hereditary factor V deficiency disease. Identifiers: Orphanet 326, MedGen C0015499, MONDO:0009210, OMIM 227400.

Allele frequency attached by ClinVar (database versions not stated): ExAC 0.00004; TOPMed 0.00004; gnomAD 0.00005; gnomAD exomes 0.00007.
gnomAD v4.1: 108 of 1,613,932 alleles (0.0067%); highest among the groups gnomAD compares: Non-Finnish European, 0.009%; no homozygotes.

Submissions (2):

Labcorp Genetics (formerly Invitae), Labcorp
Classification: Uncertain significance for Congenital factor V deficiency. Last evaluated: 2025-09-28. Review status: criteria provided, single submitter. Criteria: Invitae Variant Classification Sherloc (09022015). Collection method: clinical testing. Allele origin: germline.
Comment: This sequence change replaces glycine, which is neutral and non-polar, with arginine, which is basic and polar, at codon 855 of the F5 protein (p.Gly855Arg). This variant is present in population databases (rs769474503, gnomAD 0.007%). This variant has not been reported in the literature in individuals affected with F5-related conditions. ClinVar contains an entry for this variant (Variation ID: 2639539). Invitae Evidence Modeling of protein sequence and biophysical properties (such as structural, functional, and spatial information, amino acid conservation, physicochemical variation, residue mobility, and thermodynamic stability) indicates that this missense variant is not expected to disrupt F5 protein function with a negative predictive value of 80%. In summary, the available evidence is currently insufficient to determine the role of this variant in disease. Therefore, it has been classified as a Variant of Uncertain Significance.

CeGaT Center for Human Genetics Tuebingen
Classification: Uncertain significance. Last evaluated: 2023-01-01. Review status: criteria provided, single submitter. Criteria: CeGaT Center For Human Genetics Tuebingen Variant Classification Criteria Version 2. Collection method: clinical testing. Allele origin: germline. Affected: yes. Observed: 1 variant allele.
Comment: F5: PM2, BP4

NM_000130.5(F5):c.2563G>A (p.Gly855Arg)

Gene: F5 (coagulation factor V; minus strand). Cytogenetic location: 1q24.2.
Variant type: single nucleotide variant.
Coding change: c.2563G>A on transcript NM_000130.5 (MANE Select); coding-DNA position 2563, G replaced by A.
Protein change: p.Gly855Arg; replaces glycine 855 with arginine.
Molecular consequence: missense variant.
Genome position (GRCh38, 1-based): chr1:169,542,527, C>T on the plus strand (G>A on the coding strand, the complement: F5 is on the minus strand). VCF-style: chr1-169542527-C-T. GRCh37 (hg19) VCF-style: chr1-169511765-C-T.
Other names: short protein forms G855R.
Identifiers: ClinVar variation 2639539 (VCV002639539.25), dbSNP rs769474503, ClinGen allele CA1234068.